The following is an entry in ClinVar:

NC_000005.9:g.(?_55236910)_(55272106_?)dup

Gene: IL6ST (interleukin 6 cytokine family signal transducer; minus strand). Cytogenetic location: 5q11.2.
Variant type: Duplication.
Identifiers: ClinVar variation 2424367 (VCV002424367.4).

ClinVar aggregate classification (germline): Uncertain significance (1 of 4 stars; one submission).

Submission:

Labcorp Genetics (formerly Invitae), Labcorp
Classification: Uncertain significance. Last evaluated: 2022-11-08. Review status: criteria provided, single submitter. Criteria: Invitae Variant Classification Sherloc (09022015). Collection method: clinical testing. Allele origin: germline.
Comment: In summary, the available evidence is currently insufficient to determine the role of this variant in disease. Therefore, it has been classified as a Variant of Uncertain Significance. This variant has not been reported in the literature in individuals affected with IL6ST-related conditions. A copy number gain of the genomic region encompassing the full coding sequence of the IL6ST gene has been identified. The boundaries of this event are unknown as they extend beyond the assayed region for this gene and therefore may encompass additional genes. As the precise location of this event is unknown, it may be in tandem or it may be located elsewhere in the genome.